The following is an entry in ClinVar:

ClinVar aggregate classification (germline): Uncertain significance (1 of 4 stars; one submission).

Allele frequency attached by ClinVar (database versions not stated): gnomAD exomes below 0.00001.
gnomAD v4.1: 1 of 1,613,342 alleles (0.000062%); highest among the groups gnomAD compares: Non-Finnish European, 0.000085%; no homozygotes.

Submission:

GeneDx
Classification: Uncertain significance. Last evaluated: 2024-03-29. Review status: criteria provided, single submitter. Criteria: GeneDx Variant Classification Process June 2021. Collection method: clinical testing. Allele origin: germline. Affected: yes.
Comment: Not observed in large population cohorts (gnomAD); In silico analysis supports that this missense variant has a deleterious effect on protein structure/function; Has not been previously published as pathogenic or benign to our knowledge; Occurs in the triple helical domain at the Y position in the canonical Gly-X-Y repeat; although this variant may have an effect on normal protein folding and function, missense substitution at the Y position is not a common mechanism of disease

NM_001845.6(COL4A1):c.2060C>T (p.Pro687Leu)

Gene: COL4A1 (collagen type IV alpha 1 chain; minus strand). Cytogenetic location: 13q34.
Variant type: single nucleotide variant.
Coding change: c.2060C>T on transcript NM_001845.6 (MANE Select); coding-DNA position 2060, C replaced by T.
Protein change: p.Pro687Leu; replaces proline 687 with leucine.
Molecular consequence: missense variant.
Genome position (GRCh38, 1-based): chr13:110,183,028, G>A on the plus strand (C>T on the coding strand, the complement: COL4A1 is on the minus strand). VCF-style: chr13-110183028-G-A. GRCh37 (hg19) VCF-style: chr13-110835375-G-A.
Other names: short protein forms P687L.
Identifiers: ClinVar variation 3252926 (VCV003252926.1), dbSNP rs2501791647.
Genomic context (GRCh38, chr13:110,183,028, plus strand): 5'-GCTCGGGTCCGTCTGGCAGGGTTACCTTTGGGGCCGGGGGGCCCTGGAAATCCAATGCCT[G>A]GCTGGCCCACAGCGCCCTTCTCTCCTGGCAGGCCTGGCCTTCCTGGGGTTCCGGGAAAGC-3'
Protein context (NP_001836.3, residues 677-697): LPGEKGAVGQ[Pro687Leu]GIGFPGPPGP